The following is an entry in ClinVar:

NM_001376.5(DYNC1H1):c.36C>G (p.Gly12=)

Gene: DYNC1H1 (dynein cytoplasmic 1 heavy chain 1; plus strand). Cytogenetic location: 14q32.31.
Variant type: single nucleotide variant.
Coding change: c.36C>G on transcript NM_001376.5 (MANE Select); coding-DNA position 36, C replaced by G.
Protein change: p.Gly12=; no amino-acid change (glycine 12 retained).
Molecular consequence: synonymous variant.
Genome position (GRCh38, 1-based): chr14:101,964,727, C>G. VCF-style: chr14-101964727-C-G. GRCh37 (hg19) VCF-style: chr14-102431064-C-G.
Identifiers: ClinVar variation 590000 (VCV000590000.51), dbSNP rs373527972, ClinGen allele CA266961817.
Genomic context (GRCh38, chr14:101,964,727, plus strand): 5'-CCTGGAAGGTCCCGAGCGCGACACCATGTCGGAGCCCGGGGGCGGCGGCGGCGAGGACGG[C>G]TCGGCCGGATTGGAAGTGTCGGCCGTGCAGAATGTGGCGGACGTGTCGGTGCTGCAGAAG-3'
Protein context (NP_001367.2, residues 2-22): SEPGGGGGED[Gly12=]SAGLEVSAVQ

ClinVar aggregate classification (germline): Likely benign. Review status: criteria provided, multiple submitters, no conflicts (2 of 4 stars). 3 submissions from 3 submitters: Likely benign (2). 1 of the submissions does not count toward it. Last evaluated 2022-08-29.

Conditions:
Charcot-Marie-Tooth disease axonal type 2O. Also called: CHARCOT-MARIE-TOOTH NEUROPATHY, AXONAL, TYPE 2O; CHARCOT-MARIE-TOOTH DISEASE, AXONAL, AUTOSOMAL DOMINANT, TYPE 2O; Charcot-Marie-Tooth Neuropathy Type 2O; Charcot-Marie-Tooth disease, axonal, type 20. Identifiers: Orphanet 284232, MedGen C3280220, MONDO:0013644, OMIM 614228.
DYNC1H1-related disorder. Also called: DYNC1H1-related condition; DYNC1H1-related disorders. Identifiers: MedGen CN381529.
Inborn genetic diseases. Identifiers: MedGen C0950123, MeSH D030342.

Allele frequency attached by ClinVar (database versions not stated): gnomAD exomes below 0.00001 and 0.00001; ESP Exome Variant Server 0.00009.
gnomAD v4.1: 6 of 1,596,844 alleles (0.00038%); highest among the groups gnomAD compares: Non-Finnish European, 0.00043%; no homozygotes.

Submissions (3):

Labcorp Genetics (formerly Invitae), Labcorp
Classification: Likely benign for Charcot-Marie-Tooth disease axonal type 2O. Last evaluated: 2022-08-29. Review status: criteria provided, single submitter. Criteria: Invitae Variant Classification Sherloc (09022015). Collection method: clinical testing. Allele origin: germline.

Ambry Genetics
Classification: Likely benign for Inborn genetic diseases. Last evaluated: 2016-12-27. Review status: criteria provided, single submitter. Criteria: Ambry Variant Classification Scheme 2023. Collection method: clinical testing. Allele origin: germline.

PreventionGenetics, part of Exact Sciences
Classification: Likely benign for DYNC1H1-related condition. Last evaluated: 2022-06-17. Review status: no assertion criteria provided. Collection method: clinical testing. Allele origin: germline. Not counted in ClinVar's aggregate classification.
Comment: This variant is classified as likely benign based on ACMG/AMP sequence variant interpretation guidelines (Richards et al. 2015 PMID: 25741868, with internal and published modifications).